The following is an entry in ClinVar:

ClinVar aggregate classification (germline): Uncertain significance. Review status: criteria provided, multiple submitters, no conflicts (2 of 4 stars). 8 submissions from 8 submitters: Uncertain significance (5). 3 of the submissions do not count toward it. Last evaluated 2026-06-24.

Conditions:
TRIM37-related disorder. Also called: TRIM37-related condition.
Mulibrey nanism syndrome. Also called: MUSCLE-LIVER-BRAIN-EYE NANISM; PERHEENTUPA SYNDROME; PERICARDIAL CONSTRICTION AND GROWTH FAILURE. Identifiers: Orphanet 2576, MedGen C0524582, MONDO:0009664, OMIM 253250.

Allele frequency attached by ClinVar (database versions not stated): ESP Exome Variant Server 0.00015; gnomAD exomes 0.00024 and 0.00040; ExAC 0.00025; TOPMed 0.00025; gnomAD 0.00028 and 0.00030.
gnomAD v4.1: 620 of 1,614,016 alleles (0.038%); highest among the groups gnomAD compares: Non-Finnish European, 0.051%; no homozygotes.

Submissions (8):

PreventionGenetics, part of Exact Sciences
Classification: Uncertain significance for TRIM37-related condition. Last evaluated: 2026-06-24. Review status: criteria provided, single submitter. Criteria: ACMG Guidelines, 2015. Collection method: clinical testing. Allele origin: germline.
Comment: The TRIM37 c.1357T>A variant is predicted to result in the amino acid substitution p.Leu453Met. To our knowledge, this variant has not been reported in the literature. This variant is reported in 0.050% of alleles in individuals of European (Non-Finnish) descent in gnomAD and is reported as uncertain in ClinVar (Variation ID: 1050346). Although we suspect that this variant may be benign, at this time, the clinical significance of this variant is uncertain due to the absence of conclusive functional and genetic evidence.

St. Jude Molecular Pathology, St. Jude Children's Research Hospital
Classification: Uncertain significance for Mulibrey nanism syndrome. Last evaluated: 2026-02-20. Review status: criteria provided, single submitter. Criteria: St. Jude Assertion Criteria 2020. Collection method: clinical testing. Allele origin: germline.
Comment: The TRIM37 c.1357T>A p.(Leu453Met) missense change has a maximum subpopulation frequency of 0.05% in gnomAD v2.1.1. The in silico tool REVEL predicts a benign effect on protein function, but this prediction has not been confirmed by functional studies. This variant has not been reported in individuals with TRIM37-related disease. In sum mary, the evidence currently available is insufficient to determine the clinical significance of this variant. It has therefore been classified as of uncertain significance.

Blueprint Genetics
Classification: Uncertain significance. Last evaluated: 2024-09-23. Review status: criteria provided, single submitter. Criteria: ACMG Guidelines, 2015. Collection method: clinical testing. Allele origin: germline.

Labcorp Genetics (formerly Invitae), Labcorp
Classification: Uncertain significance. Last evaluated: 2022-08-21. Review status: criteria provided, single submitter. Criteria: Invitae Variant Classification Sherloc (09022015). Collection method: clinical testing. Allele origin: germline.
Comment: This sequence change replaces leucine, which is neutral and non-polar, with methionine, which is neutral and non-polar, at codon 453 of the TRIM37 protein (p.Leu453Met). This variant is present in population databases (rs200578021, gnomAD 0.05%). This variant has not been reported in the literature in individuals affected with TRIM37-related conditions. ClinVar contains an entry for this variant (Variation ID: 1050346). Algorithms developed to predict the effect of missense changes on protein structure and function output the following: SIFT: "Not Available"; PolyPhen-2: "Benign"; Align-GVGD: "Not Available". The methionine amino acid residue is found in multiple mammalian species, which suggests that this missense change does not adversely affect protein function. In summary, the available evidence is currently insufficient to determine the role of this variant in disease. Therefore, it has been classified as a Variant of Uncertain Significance.

CeGaT Center for Human Genetics Tuebingen
Classification: Uncertain significance. Last evaluated: 2021-05-01. Review status: criteria provided, single submitter. Criteria: CeGaT Center For Human Genetics Tuebingen Variant Classification Criteria Version 2. Collection method: clinical testing. Allele origin: germline. Affected: yes. Observed: 1 variant allele.

Department of Pathology and Laboratory Medicine, Sinai Health System
Classification: Uncertain significance. Review status: no assertion criteria provided. Collection method: clinical testing. Allele origin: unknown. Affected: yes. Study: The Canadian Open Genetics Repository (COGR). Not counted in ClinVar's aggregate classification.
Comment: The TRIM37 p.Leu331Met variant was not identified in the literature nor was it identified in the ClinVar, Cosmic or LOVD 3.0 databases. The variant was identified in dbSNP (ID: rs200578021). The variant was also identified in control databases in 66 of 282862 chromosomes at a frequency of 0.000233 (Genome Aggregation Database Feb 27, 2017). The variant was observed in the following populations: European (non-Finnish) in 65 of 129178 chromosomes (freq: 0.000503), Other in 1 of 7224 chromosomes (freq: 0.000138), while the variant was not observed in the African, Latino, Ashkenazi Jewish, East Asian, European (Finnish) or South Asian, populations. The variant occurs outside of the splicing consensus sequence and in silico or computational prediction software programs (SpliceSiteFinder, MaxEntScan, NNSPLICE, GeneSplicer) do not predict a difference in splicing. The p.Leu331 residue is not conserved in mammals and four out of five computational analyses (PolyPhen-2, SIFT, AlignGVGD, BLOSUM) do not suggest a high likelihood of impact to the protein; however, this information is not predictive enough to rule out pathogenicity. In summary, based on the above information the clinical significance of this variant cannot be determined with certainty at this time. This variant is classified as a variant of uncertain significance.

Genome Diagnostics Laboratory, Amsterdam University Medical Center
Classification: Likely benign. Review status: no assertion criteria provided. Collection method: clinical testing. Allele origin: germline. Affected: yes. Study: VKGL Data-share Consensus. Not counted in ClinVar's aggregate classification.

Laboratory of Diagnostic Genome Analysis, Leiden University Medical Center (LUMC)
Classification: Likely benign. Review status: no assertion criteria provided. Collection method: clinical testing. Allele origin: germline. Affected: yes. Study: VKGL Data-share Consensus. Not counted in ClinVar's aggregate classification.

NM_015294.6(TRIM37):c.1357T>A (p.Leu453Met)

Gene: TRIM37 (tripartite motif containing 37; minus strand). Cytogenetic location: 17q22.
Variant type: single nucleotide variant.
Coding change: c.1357T>A on transcript NM_015294.6 (MANE Select); coding-DNA position 1357, T replaced by A.
Protein change: p.Leu453Met; replaces leucine 453 with methionine.
Molecular consequence: missense variant. On other transcripts: non-coding transcript variant (2).
Genome position (GRCh38, 1-based): chr17:59,049,351, A>T on the plus strand (T>A on the coding strand, the complement: TRIM37 is on the minus strand). VCF-style: chr17-59049351-A-T. GRCh37 (hg19) VCF-style: chr17-57126712-A-T.
Other names: c.1357T>A, p.Leu453Met (NM_001005207.5, NM_001320988.3, NM_001320989.3 and 1 more transcripts); c.1255T>A, p.Leu419Met (NM_001320987.3, NM_001353082.2); c.991T>A, p.Leu331Met (NM_001320990.3); c.622T>A, p.Leu208Met (NM_001353083.2); c.1357T>A (NM_015294.4); c.895T>A, p.Leu299Met (NM_001353085.2); c.1306T>A, p.Leu436Met (NM_001353086.2); short protein forms L208M, L299M, L331M, L419M, L436M, L453M.
Identifiers: ClinVar variation 1050346 (VCV001050346.44), dbSNP rs200578021, ClinGen allele CA8678306.